The following is an entry in ClinVar:

NM_000321.3(RB1):c.1215+1G>C

Gene: RB1 (RB transcriptional corepressor 1; plus strand). Cytogenetic location: 13q14.2.
Variant type: single nucleotide variant.
Coding change: c.1215+1G>C on transcript NM_000321.3 (MANE Select); the canonical splice donor site of the intron after coding-DNA position 1215, G replaced by C.
Molecular consequence: splice donor variant.
Genome position (GRCh38, 1-based): chr13:48,373,493, G>C. VCF-style: chr13-48373493-G-C. GRCh37 (hg19) VCF-style: chr13-48947629-G-C.
Other names: NC_000013.10:g.48947629G>C; c.1215+1G>C (NM_001407165.1, NM_001407166.1).
Identifiers: ClinVar variation 2585720 (VCV002585720.4), dbSNP rs587776783, ClinGen allele CA388161718.

ClinVar aggregate classification (germline): Pathogenic. Review status: criteria provided, multiple submitters, no conflicts (2 of 4 stars). 2 submissions from 2 submitters: Pathogenic (2). Last evaluated 2023-06-23.

Conditions:
Hereditary cancer-predisposing syndrome. Also called: Hereditary neoplastic syndrome; Tumor predisposition; Hereditary Cancer Syndrome; Neoplastic Syndromes, Hereditary. Identifiers: Orphanet 140162, MedGen C0027672, MeSH D009386, MONDO:0015356.
RB1-related disorder. Also called: RB1-related condition.

Submissions (3):

Ambry Genetics
Classification: Pathogenic for Hereditary cancer-predisposing syndrome. Last evaluated: 2023-06-23. Review status: criteria provided, single submitter. Criteria: Ambry Variant Classification Scheme 2023. Collection method: clinical testing. Allele origin: germline.
Comment: The c.1215+1G>C intronic pathogenic mutation results from a G to C substitution one nucleotide after coding exon 12 of the RB1 gene. This alteration has been observed in at least one individual with a personal and/or family history that is consistent with RB1-related disease (Ambry internal data; Rodr&iacute;guez-Mart&iacute;n C et al. J Hum Genet, 2020 Jan;65:165-174). This variant is considered to be rare based on population cohorts in the Genome Aggregation Database (gnomAD). Alterations that disrupt the canonical splice site are expected to cause aberrant splicing, resulting in an abnormal protein or a transcript that is subject to nonsense-mediated mRNA decay. This nucleotide position is highly conserved in available vertebrate species. In silico splice site analysis predicts that this alteration will weaken the native splice donor site. Based on the supporting evidence, this alteration is interpreted as a disease-causing mutation.

PreventionGenetics, part of Exact Sciences
Classification: Pathogenic for RB1-related condition. Last evaluated: 2022-12-27. Review status: criteria provided, single submitter. Criteria: ACMG Guidelines, 2015. Collection method: clinical testing. Allele origin: germline.
Comment: The RB1 c.1215+1G>C variant is predicted to disrupt the GT donor site and interfere with normal splicing. To our knowledge, this variant has not been reported in the literature or in a large population database, indicating this variant is rare. Variants that disrupt the consensus splice donor site in RB1 are expected to be pathogenic. This variant is interpreted as pathogenic.

Dr. Peter K. Rogan Lab, Western University
No classification provided (evidence only). Condition: Malignant tumor of urinary bladder. Review status: no classification provided. Collection method: in vitro. Allele origin: not applicable. Functional consequence: skipped exon, retained intron. Not counted in ClinVar's aggregate classification.

Literature cited by the submitters: PubMed 31772335 (cited by Ambry Genetics).